The following is an entry in ClinVar:

ClinVar aggregate classification (germline): Likely benign (1 of 4 stars; one submission).

Conditions:
Thrombophilia due to protein S deficiency, autosomal dominant (THPH5). Identifiers: Orphanet 26349, Orphanet 743, MedGen C3278211, MONDO:0012868, OMIM 612336. Disease mechanism: loss of function.

Allele frequency attached by ClinVar (database versions not stated): TOPMed 0.00069; gnomAD 0.00133 and 0.00139; gnomAD exomes 0.00155; 1000 Genomes Project 0.00160; 1000 Genomes Project 30x 0.00187.
gnomAD v4.1: 362 of 244,816 alleles (0.15%); highest among the groups gnomAD compares: Admixed American, 0.42%; 3 homozygotes.

Submission:

Illumina Laboratory Services, Illumina
Classification: Likely benign for Thrombophilia due to protein S deficiency, autosomal dominant. Last evaluated: 2018-01-12. Review status: criteria provided, single submitter. Criteria: ICSL Variant Classification Criteria 13 December 2019. Collection method: clinical testing. Allele origin: germline.
Comment: This variant was observed in the ICSL laboratory as part of a predisposition screen in an ostensibly healthy population. It had not been previously curated by ICSL or reported in the Human Gene Mutation Database (HGMD: prior to June 1st, 2018), and was therefore a candidate for classification through an automated scoring system. Utilizing variant allele frequency, disease prevalence and penetrance estimates, and inheritance mode, an automated score was calculated to assess if this variant is too frequent to cause the disease. Based on the score and internal cut-off values, a variant classified as likely benign is not then subjected to further curation. The score for this variant resulted in a classification of likely benign for this disease.

NM_000313.4(PROS1):c.*380A>T

Gene: PROS1 (protein S; minus strand). Cytogenetic location: 3q11.1.
Variant type: single nucleotide variant.
Coding change: c.*380A>T on transcript NM_000313.4 (MANE Select); 380 bases downstream of the stop codon, A replaced by T.
Molecular consequence: 3 prime UTR variant.
Genome position (GRCh38, 1-based): chr3:93,873,865, T>A on the plus strand (A>T on the coding strand, the complement: PROS1 is on the minus strand). VCF-style: chr3-93873865-T-A. GRCh37 (hg19) VCF-style: chr3-93592709-T-A.
Other names: c.*380A>T (NM_001314077.2).
Identifiers: ClinVar variation 903198 (VCV000903198.4), dbSNP rs138546241, ClinGen allele CA78520010.
Genomic context (GRCh38, chr3:93,873,865, plus strand): 5'-CCTTCATCAGGAAAAAAACAAAAACATAAACAAAATAGTATCTGCCTATGATTAATAGTA[T>A]TTAATTACACGCACTTTTGTTTGAGTTTACTTCCTTGCTTTCTGAAAAAAACATAGGTAT-3'